The following is an entry in ClinVar:

ClinVar aggregate classification (germline): Uncertain significance (1 of 4 stars; one submission).

Conditions:
Tuberous sclerosis 1 (TSC1). Identifiers: Orphanet 805, MedGen C1854465, MONDO:0008612, OMIM 191100.

Submission:

Labcorp Genetics (formerly Invitae), Labcorp
Classification: Uncertain significance for Tuberous sclerosis 1. Last evaluated: 2019-04-24. Review status: criteria provided, single submitter. Criteria: Invitae Variant Classification Sherloc (09022015). Collection method: clinical testing. Allele origin: germline.
Comment: This sequence change replaces serine with alanine at codon 403 of the TSC1 protein (p.Ser403Ala). The serine residue is moderately conserved and there is a moderate physicochemical difference between serine and alanine. This variant is not present in population databases (ExAC no frequency). This variant has not been reported in the literature in individuals with TSC1-related conditions. Algorithms developed to predict the effect of missense changes on protein structure and function (SIFT, PolyPhen-2, Align-GVGD) all suggest that this variant is likely to be tolerated, but these predictions have not been confirmed by published functional studies and their clinical significance is uncertain. In summary, the available evidence is currently insufficient to determine the role of this variant in disease. Therefore, it has been classified as a Variant of Uncertain Significance.

NM_000368.5(TSC1):c.1207T>G (p.Ser403Ala)

Gene: TSC1 (TSC complex subunit 1; minus strand). Cytogenetic location: 9q34.13.
Variant type: single nucleotide variant.
Coding change: c.1207T>G on transcript NM_000368.5 (MANE Select); coding-DNA position 1207, T replaced by G.
Protein change: p.Ser403Ala; replaces serine 403 with alanine.
Molecular consequence: missense variant.
Genome position (GRCh38, 1-based): chr9:132,910,627, A>C on the plus strand (T>G on the coding strand, the complement: TSC1 is on the minus strand). VCF-style: chr9-132910627-A-C. GRCh37 (hg19) VCF-style: chr9-135786014-A-C.
Other names: c.1204T>G, p.Ser402Ala (NM_001162426.2); c.1054T>G, p.Ser352Ala (NM_001162427.2); c.844T>G, p.Ser282Ala (NM_001362177.2); short protein forms S352A, S282A, S402A, S403A.
Identifiers: ClinVar variation 946178 (VCV000946178.9), dbSNP rs1845901815, ClinGen allele CA375366953.